The following is an entry in ClinVar:

ClinVar aggregate classification (germline): Pathogenic/Likely pathogenic. Review status: criteria provided, multiple submitters, no conflicts (2 of 4 stars). 3 submissions from 3 submitters: Pathogenic (2); Likely pathogenic (1). Last evaluated 2025-06-02.

Conditions:
Osteogenesis imperfecta type I (OI1). Also called: Lobstein disease; OI, TYPE I; OSTEOGENESIS IMPERFECTA TARDA; OSTEOGENESIS IMPERFECTA WITH BLUE SCLERAE; Classic Non-deforming Osteogenesis Imperfecta with Blue Sclerae; Osteogenesis imperfecta type 1. Identifiers: Orphanet 216796, Orphanet 666, MedGen C0023931, MONDO:0008146, OMIM 166200. Disease mechanism: loss of function.
Ehlers-Danlos syndrome, classic type, 1 (EDSCL1). Also called: EHLERS-DANLOS SYNDROME, GRAVIS TYPE; EHLERS-DANLOS SYNDROME, SEVERE CLASSIC TYPE; Ehlers-Danlos Syndrome, Classic Type, COL5A1-Related; EDS I; Ehlers-Danlos syndrome, type 1. Identifiers: MedGen C0268335, MONDO:0019567, OMIM 130000.
Osteogenesis imperfecta (OI). Identifiers: Orphanet 666, MedGen C0029434, MeSH D010013, MONDO:0019019.
COL1A2-related disorder. Also called: COL1A2-related condition; COL1A2-Related Disorders.

Submissions (3):

Labcorp Genetics (formerly Invitae), Labcorp
Classification: Pathogenic for Osteogenesis imperfecta type I; Ehlers-Danlos syndrome, classic type, 1. Last evaluated: 2025-06-02. Review status: criteria provided, single submitter. Criteria: Invitae Variant Classification Sherloc (09022015). Collection method: clinical testing. Allele origin: germline.
Comment: This sequence change replaces glycine, which is neutral and non-polar, with cysteine, which is neutral and slightly polar, at codon 247 of the COL1A2 protein (p.Gly247Cys). This variant is not present in population databases (gnomAD no frequency). This missense change has been observed in individual(s) with COL1A2-related conditions (PMID: 30283887). ClinVar contains an entry for this variant (Variation ID: 419709). Experimental studies and prediction algorithms are not available or were not evaluated, and the functional significance of this variant is currently unknown. This variant disrupts the triple helix domain of COL1A2. Glycine residues within the Gly-Xaa-Yaa repeats of the triple helix domain are required for the structure and stability of fibrillar collagens (PMID: 7695699, 8218237, 19344236). In COL1A2, variants affecting these glycine residues are significantly enriched in individuals with disease (PMID: 9016532, 17078022) compared to the general population (ExAC). This variant disrupts the p.Gly247 amino acid residue in COL1A2. Other variant(s) that disrupt this residue have been observed in individuals with COL1A2-related conditions (PMID: 16786509, 28116328), which suggests that this may be a clinically significant amino acid residue. For these reasons, this variant has been classified as Pathogenic.

GeneDx
Classification: Pathogenic. Last evaluated: 2024-07-23. Review status: criteria provided, single submitter. Criteria: GeneDx Variant Classification Process June 2021. Collection method: clinical testing. Allele origin: germline. Affected: yes.
Comment: Occurs in the triple helical domain and replaces a glycine in a canonical Gly-X-Y repeat; missense substitution of a canonical glycine residue is expected to disrupt normal protein folding and function, and this is an established mechanism of disease (PMID: 34007986); Not observed at significant frequency in large population cohorts (gnomAD); In silico analysis supports that this missense variant has a deleterious effect on protein structure/function; This variant is associated with the following publications: (PMID: 34007986, 37810882, 30283887)

Genetics Department, Polish Mother's Memorial Hospital Research Institute
Classification: Likely pathogenic for Osteogenesis imperfecta. Last evaluated: 2020-04-06. Review status: criteria provided, single submitter. Criteria: ACMG Guidelines, 2015. Collection method: research. Allele origin: unknown. Affected: yes. Observed: 1 variant allele.
Comment: Patient's parents were not available for clinical testing.

Literature cited by the submitters: PubMed 30283887 (cited by Labcorp Genetics (formerly Invitae), Labcorp); PubMed 7695699 (cited by Labcorp Genetics (formerly Invitae), Labcorp); PubMed 8218237 (cited by Labcorp Genetics (formerly Invitae), Labcorp); PubMed 19344236 (cited by Labcorp Genetics (formerly Invitae), Labcorp); PubMed 9016532 (cited by Labcorp Genetics (formerly Invitae), Labcorp); PubMed 17078022 (cited by Labcorp Genetics (formerly Invitae), Labcorp); PubMed 16786509 (cited by Labcorp Genetics (formerly Invitae), Labcorp); PubMed 28116328 (cited by Labcorp Genetics (formerly Invitae), Labcorp).

NM_000089.4(COL1A2):c.739G>T (p.Gly247Cys)

Gene: COL1A2 (collagen type I alpha 2 chain; plus strand). Cytogenetic location: 7q21.3.
Variant type: single nucleotide variant.
Coding change: c.739G>T on transcript NM_000089.4 (MANE Select); coding-DNA position 739, G replaced by T.
Protein change: p.Gly247Cys; replaces glycine 247 with cysteine.
Molecular consequence: missense variant.
Genome position (GRCh38, 1-based): chr7:94,408,770, G>T. VCF-style: chr7-94408770-G-T. GRCh37 (hg19) VCF-style: chr7-94038082-G-T.
Other names: short protein forms G247C.
Identifiers: ClinVar variation 419709 (VCV000419709.8), dbSNP rs1064794058, ClinGen allele CA16618573.